The following is an entry in ClinVar:

NM_000059.4(BRCA2):c.4139T>C (p.Ile1380Thr)

Gene: BRCA2 (BRCA2 DNA repair associated; plus strand). Cytogenetic location: 13q13.1.
Variant type: single nucleotide variant.
Coding change: c.4139T>C on transcript NM_000059.4 (MANE Select); coding-DNA position 4139, T replaced by C.
Protein change: p.Ile1380Thr; replaces isoleucine 1380 with threonine.
Molecular consequence: missense variant.
Genome position (GRCh38, 1-based): chr13:32,338,494, T>C. VCF-style: chr13-32338494-T-C. GRCh37 (hg19) VCF-style: chr13-32912631-T-C.
Other names: c.4139T>C (NM_000059.3); short protein forms I1380T.
Identifiers: ClinVar variation 1370569 (VCV001370569.8), dbSNP rs2137503277, ClinGen allele CA387779411.

ClinVar aggregate classification (germline): Conflicting classifications of pathogenicity. Review status: criteria provided, conflicting classifications (1 of 4 stars). 3 submissions from 3 submitters: Uncertain significance (2); Likely benign (1). Last evaluated 2024-11-01.

Conditions:
Hereditary cancer-predisposing syndrome. Also called: Neoplastic Syndromes, Hereditary; Tumor predisposition; Hereditary neoplastic syndrome; Hereditary Cancer Syndrome. Identifiers: Orphanet 140162, MedGen C0027672, MeSH D009386, MONDO:0015356.
Hereditary breast ovarian cancer syndrome. Also called: BRCA1- and BRCA2-Associated Hereditary Breast and Ovarian Cancer; Hereditary breast and ovarian cancer; Hereditary breast and ovarian cancer syndrome; Hereditary breast and/or ovarian cancer syndrome; Hereditary breast and ovarian cancer syndrome (HBOC); Breast and ovarian cancer. Identifiers: Orphanet 145, MedGen C0677776, MeSH D061325, MONDO:0003582. Disease mechanism: loss of function.

Submissions (3):

Ambry Genetics
Classification: Uncertain significance for Hereditary cancer-predisposing syndrome. Last evaluated: 2024-11-01. Review status: criteria provided, single submitter. Criteria: Ambry Variant Classification Scheme 2023. Collection method: clinical testing. Allele origin: germline.
Comment: The p.I1380T variant (also known as c.4139T>C), located in coding exon 10 of the BRCA2 gene, results from a T to C substitution at nucleotide position 4139. The isoleucine at codon 1380 is replaced by threonine, an amino acid with similar properties. This amino acid position is conserved. In addition, this alteration is predicted to be tolerated by in silico analysis. Based on the available evidence, the clinical significance of this variant remains unclear.

University of Washington Department of Laboratory Medicine, University of Washington
Classification: Likely benign for Hereditary cancer-predisposing syndrome. Last evaluated: 2023-03-23. Review status: criteria provided, single submitter. Criteria: Dines et al. (Genet Med. 2020). Collection method: curation. Allele origin: germline.
Comment: Missense variant in a coldspot region where missense variants are very unlikely to be pathogenic (PMID:31911673).

BRCA2 exon 11 coldspot. Reclassification based on statistical prior probability.

Labcorp Genetics (formerly Invitae), Labcorp
Classification: Uncertain significance for Hereditary breast ovarian cancer syndrome. Last evaluated: 2021-07-28. Review status: criteria provided, single submitter. Criteria: Invitae Variant Classification Sherloc (09022015). Collection method: clinical testing. Allele origin: germline.
Comment: In summary, the available evidence is currently insufficient to determine the role of this variant in disease. Therefore, it has been classified as a Variant of Uncertain Significance. Advanced modeling of protein sequence and biophysical properties (such as structural, functional, and spatial information, amino acid conservation, physicochemical variation, residue mobility, and thermodynamic stability) performed at Invitae indicates that this missense variant is not expected to disrupt BRCA2 protein function. This variant has not been reported in the literature in individuals affected with BRCA2-related conditions. This variant is not present in population databases (ExAC no frequency). This sequence change replaces isoleucine with threonine at codon 1380 of the BRCA2 protein (p.Ile1380Thr). The isoleucine residue is weakly conserved and there is a moderate physicochemical difference between isoleucine and threonine.